The following is an entry in ClinVar:

NM_004006.3(DMD):c.3044G>T (p.Ser1015Ile)

Gene: DMD (dystrophin; minus strand). Cytogenetic location: Xp21.1.
Variant type: single nucleotide variant.
Coding change: c.3044G>T on transcript NM_004006.3 (MANE Select); coding-DNA position 3044, G replaced by T.
Protein change: p.Ser1015Ile; replaces serine 1015 with isoleucine.
Molecular consequence: missense variant.
Genome position (GRCh38, 1-based): chrX:32,468,616, C>A on the plus strand (G>T on the coding strand, the complement: DMD is on the minus strand). VCF-style: chrX-32468616-C-A. GRCh37 (hg19) VCF-style: chrX-32486733-C-A.
Other names: c.3020G>T, p.Ser1007Ile (NM_000109.4); c.3032G>T, p.Ser1011Ile (NM_004009.3); c.2675G>T, p.Ser892Ile (NM_004010.3); c.3044G>T (NM_004006.2); short protein forms S1011I, S1015I, S1007I, S892I.
Identifiers: ClinVar variation 1395549 (VCV001395549.4), dbSNP rs2148459910, ClinGen allele CA412666991.

ClinVar aggregate classification (germline): Uncertain significance. Review status: criteria provided, single submitter (1 of 4 stars). 2 submissions from 2 submitters: Uncertain significance (1). 1 of the submissions does not count toward it. Last evaluated 2021-11-28.

Conditions:
Duchenne muscular dystrophy (DMD). Also called: MUSCULAR DYSTROPHY, PSEUDOHYPERTROPHIC PROGRESSIVE, DUCHENNE TYPE; Duchenne Muscular Dystrophy (DMD). Identifiers: Orphanet 98896, MedGen C0013264, MONDO:0010679, OMIM 310200.
Becker muscular dystrophy, Cardiomyopathy, Duchenne muscular dystrophy, Dystrophin deficiency.

Submissions (2):

Labcorp Genetics (formerly Invitae), Labcorp
Classification: Uncertain significance for Duchenne muscular dystrophy. Last evaluated: 2021-11-28. Review status: criteria provided, single submitter. Criteria: Invitae Variant Classification Sherloc (09022015). Collection method: clinical testing. Allele origin: germline.
Comment: This sequence change replaces serine, which is neutral and polar, with isoleucine, which is neutral and non-polar, at codon 1015 of the DMD protein (p.Ser1015Ile). This variant is not present in population databases (gnomAD no frequency). This variant has not been reported in the literature in individuals affected with DMD-related conditions. Algorithms developed to predict the effect of missense changes on protein structure and function are either unavailable or do not agree on the potential impact of this missense change (SIFT: "Tolerated"; PolyPhen-2: "Probably Damaging"; Align-GVGD: "Class C0"). In summary, the available evidence is currently insufficient to determine the role of this variant in disease. Therefore, it has been classified as a Variant of Uncertain Significance.

Natera, Inc.
Classification: Uncertain significance for Becker muscular dystrophy, Cardiomyopathy, Duchenne muscular dystrophy, Dystrophin deficiency. Last evaluated: 2025-04-06. Review status: no assertion criteria provided. Collection method: clinical testing. Allele origin: germline. Not counted in ClinVar's aggregate classification.